The following is an entry in ClinVar:

NM_001110556.2(FLNA):c.4117_4125del (p.Pro1373_Lys1375del)

Gene: FLNA (filamin A; minus strand). Cytogenetic location: Xq28.
Variant type: Deletion.
Coding change: c.4117_4125del on transcript NM_001110556.2 (MANE Select); coding-DNA positions 4117 to 4125, 9 bases deleted (CCCAACAAG; older notation c.4117_4125delCCCAACAAG).
Protein change: p.Pro1373_Lys1375del.
Molecular consequence: inframe deletion.
Genome position (GRCh38, 1-based): chrX:154,359,501-154,359,509, CTTGTTGGG deleted on the plus strand (CCCAACAAG on the coding strand, the reverse complement: FLNA is on the minus strand); deleting any 9 consecutive bases within chrX:154,359,501-154,359,517 gives the same sequence; the c. name uses the placement nearest the transcript's 3' end. VCF-style (leftmost placement, unchanged base first): chrX-154359500-ACTTGTTGGG-A. GRCh37 (hg19) VCF-style: chrX-153587868-ACTTGTTGGG-A.
Other names: c.4117_4125del, p.Pro1373_Lys1375del (NM_001456.4).
Identifiers: ClinVar variation 2943915 (VCV002943915.3), dbSNP rs2522738615, ClinGen allele CA2740090192.

ClinVar aggregate classification (germline): Uncertain significance (1 of 4 stars; one submission).

Conditions:
Oto-palato-digital syndrome, type II (OPD2). Also called: FACIOPALATOOSSEOUS SYNDROME; OPD II SYNDROME; Otopalatodigital Syndrome, Type II; Otopalatodigital Syndrome Type 2 (FLNA-OPD2). Identifiers: Orphanet 669, Orphanet 90652, MedGen C1844696, MONDO:0010571, OMIM 304120.
Heterotopia, periventricular, X-linked dominant (PVNH1). Also called: PERIVENTRICULAR NODULAR HETEROTOPIA 1; X-linked periventricular heterotopia; PERIVENTRICULAR NODULAR HETEROTOPIA 4; HETEROTOPIA, PERIVENTRICULAR, 1. Identifiers: Orphanet 2149, Orphanet 82004, MedGen C1848213, MONDO:0010233, OMIM 300049.
Frontometaphyseal dysplasia (FMD1). Identifiers: Orphanet 1826, MedGen C0265293, MONDO:0015942.
Melnick-Needles syndrome (MNS). Also called: MELNICK-NEEDLES OSTEODYSPLASTY; OSTEODYSPLASTY OF MELNICK AND NEEDLES; Melnick-Needles Syndrome (FLNA-MNS). Identifiers: Orphanet 2484, MedGen C0025237, MONDO:0010650, OMIM 309350.

Submission:

Labcorp Genetics (formerly Invitae), Labcorp
Classification: Uncertain significance for Oto-palato-digital syndrome, type II; Heterotopia, periventricular, X-linked dominant; Frontometaphyseal dysplasia; Melnick-Needles syndrome. Last evaluated: 2023-05-05. Review status: criteria provided, single submitter. Criteria: Invitae Variant Classification Sherloc (09022015). Collection method: clinical testing. Allele origin: germline.
Comment: This variant, c.4117_4125del, results in the deletion of 3 amino acid(s) of the FLNA protein (p.Pro1373_Lys1375del), but otherwise preserves the integrity of the reading frame. This variant is not present in population databases (gnomAD no frequency). This variant has not been reported in the literature in individuals affected with FLNA-related conditions. Experimental studies and prediction algorithms are not available or were not evaluated, and the functional significance of this variant is currently unknown. In summary, the available evidence is currently insufficient to determine the role of this variant in disease. Therefore, it has been classified as a Variant of Uncertain Significance.